The following is an entry in ClinVar:

NM_001384125.1(BLTP1):c.12514C>T (p.Leu4172=)

Gene: BLTP1 (bridge-like lipid transfer protein family member 1; plus strand). Cytogenetic location: 4q27.
Variant type: single nucleotide variant.
Coding change: c.12514C>T on transcript NM_001384125.1 (MANE Select); coding-DNA position 12514, C replaced by T.
Protein change: p.Leu4172=; no amino-acid change (leucine 4172 retained).
Molecular consequence: synonymous variant.
Genome position (GRCh38, 1-based): chr4:122,339,306, C>T. VCF-style: chr4-122339306-C-T. GRCh37 (hg19) VCF-style: chr4-123260461-C-T.
Other names: c.12250C>T, p.Leu4084= (NM_015312.4).
Identifiers: ClinVar variation 3029073 (VCV003029073.2), dbSNP rs2483286847, ClinGen allele CA440928715.

ClinVar aggregate classification (germline): Likely benign (0 of 4 stars; one submission).

Conditions:
BLTP1-related disorder. Also called: BLTP1-related condition.

Submission:

PreventionGenetics, part of Exact Sciences
Classification: Likely benign for BLTP1-related condition. Last evaluated: 2021-12-01. Review status: no assertion criteria provided. Collection method: clinical testing. Allele origin: germline.
Comment: This variant is classified as likely benign based on ACMG/AMP sequence variant interpretation guidelines (Richards et al. 2015 PMID: 25741868, with internal and published modifications).